The following is an entry in ClinVar:

NM_201384.3(PLEC):c.9832A>G (p.Lys3278Glu)

Gene: PLEC (plectin; minus strand). Cytogenetic location: 8q24.3.
Variant type: single nucleotide variant.
Coding change: c.9832A>G on transcript NM_201384.3 (MANE Select); coding-DNA position 9832, A replaced by G.
Protein change: p.Lys3278Glu; replaces lysine 3278 with glutamic acid.
Molecular consequence: missense variant.
Genome position (GRCh38, 1-based): chr8:143,919,989, T>C on the plus strand (A>G on the coding strand, the complement: PLEC is on the minus strand). VCF-style: chr8-143919989-T-C. GRCh37 (hg19) VCF-style: chr8-144994157-T-C.
Other names: c.9913A>G, p.Lys3305Glu (NM_000445.5); c.9790A>G, p.Lys3264Glu (NM_201378.4); c.9766A>G, p.Lys3256Glu (NM_201379.3); c.10243A>G, p.Lys3415Glu (NM_201380.4); c.9736A>G, p.Lys3246Glu (NM_201381.3); c.9832A>G, p.Lys3278Glu (NM_201382.4); c.9844A>G, p.Lys3282Glu (NM_201383.3); c.9913A>G (NM_000445.3); short protein forms K3246E, K3264E, K3305E, K3256E, K3278E, K3282E, K3415E.
Identifiers: ClinVar variation 1476702 (VCV001476702.10), dbSNP rs1554680143, ClinGen allele CA372506449.

ClinVar aggregate classification (germline): Uncertain significance. Review status: criteria provided, multiple submitters, no conflicts (2 of 4 stars). 2 submissions from 2 submitters: Uncertain significance (2). Last evaluated 2020-11-15.

Conditions:
Autosomal recessive limb-girdle muscular dystrophy type 2Q (LGMDR17). Also called: MUSCULAR DYSTROPHY, LIMB-GIRDLE, AUTOSOMAL RECESSIVE 17. Identifiers: Orphanet 254361, MedGen C3150989, MONDO:0013390, OMIM 613723.
Epidermolysis bullosa simplex 5B, with muscular dystrophy (EBS5B). Also called: EPIDERMOLYSIS BULLOSA SIMPLEX AND LIMB-GIRDLE MUSCULAR DYSTROPHY; Epidermolysis bullosa simplex with muscular dystrophy. Identifiers: Orphanet 257, MedGen C2931072, MONDO:0009181, OMIM 226670.
Epidermolysis bullosa simplex, Ogna type (EBS5A). Also called: Pidermolysis bullosa simplex 5A, Ogna type; EPIDERMOLYSIS BULLOSA SIMPLEX 5A, OGNA TYPE. Identifiers: Orphanet 79401, MedGen C0432317, MONDO:0007555, OMIM 131950.
Epidermolysis bullosa simplex with nail dystrophy (EBS5D). Identifiers: MedGen C4225309, MONDO:0014661, OMIM 616487.
Epidermolysis bullosa simplex 5C, with pyloric atresia (EBS5C). Also called: Epidermolysis bullosa simplex with pyloric atresia; PLEC1-Related Epidermolysis Bullosa with Pyloric Atresia; PLEC-Related Epidermolysis Bullosa with Pyloric Atresia. Identifiers: Orphanet 158684, MedGen C2677349, MONDO:0012807, OMIM 612138.

Allele frequency attached by ClinVar (database versions not stated): gnomAD exomes below 0.00001; TOPMed below 0.00001; gnomAD 0.00001.
gnomAD v4.1: 2 of 1,613,182 alleles (0.00012%); highest among the groups gnomAD compares: East Asian, 0.0022%; no homozygotes.

Submissions (2):

Labcorp Genetics (formerly Invitae), Labcorp
Classification: Uncertain significance for Autosomal recessive limb-girdle muscular dystrophy type 2Q; Epidermolysis bullosa simplex, Ogna type; Epidermolysis bullosa simplex with nail dystrophy; Epidermolysis bullosa simplex 5C, with pyloric atresia; Epidermolysis bullosa simplex 5B, with muscular dystrophy. Last evaluated: 2020-11-15. Review status: criteria provided, single submitter. Criteria: Invitae Variant Classification Sherloc (09022015). Collection method: clinical testing. Allele origin: germline.
Comment: This sequence change replaces lysine with glutamic acid at codon 3305 of the PLEC protein (p.Lys3305Glu). The lysine residue is moderately conserved and there is a small physicochemical difference between lysine and glutamic acid. This variant is not present in population databases (ExAC no frequency). This variant has not been reported in the literature in individuals with PLEC-related conditions. Algorithms developed to predict the effect of missense changes on protein structure and function are either unavailable or do not agree on the potential impact of this missense change (SIFT: "Tolerated"; PolyPhen-2: "Possibly Damaging"; Align-GVGD: "Class C0"). In summary, the available evidence is currently insufficient to determine the role of this variant in disease. Therefore, it has been classified as a Variant of Uncertain Significance.

Revvity Omics, Revvity
Classification: Uncertain significance. Last evaluated: 2019-10-31. Review status: criteria provided, single submitter. Criteria: ACMG Guidelines, 2015. Collection method: clinical testing. Allele origin: germline.